The following is an entry in ClinVar:

ClinVar aggregate classification (germline): Uncertain significance (1 of 4 stars; one submission).

Conditions:
KATNAL2-related disorder. Also called: KATNAL2-related condition.

Allele frequency attached by ClinVar (database versions not stated): ExAC 0.00005; ESP Exome Variant Server 0.00008; TOPMed 0.00009; gnomAD 0.00011.
gnomAD v4.1: 112 of 1,611,636 alleles (0.0069%); highest among the groups gnomAD compares: East Asian, 0.018%; no homozygotes.

Submission:

PreventionGenetics, part of Exact Sciences
Classification: Uncertain significance for KATNAL2-related condition. Last evaluated: 2022-11-21. Review status: criteria provided, single submitter. Criteria: ACMG Guidelines, 2015. Collection method: clinical testing. Allele origin: germline.
Comment: The KATNAL2 c.250C>T variant is predicted to result in premature protein termination (p.Arg84*). In an alternate transcript (NM_031303.2), this variant falls within a non-coding region of the gene (c.-45C>T). To our knowledge, this variant has not been reported in the literature. This variant is reported in 0.0086% of alleles in individuals of Latino descent in gnomAD. At this time, the clinical significance of this variant is uncertain due to the absence of conclusive functional and genetic evidence.

NM_001387690.1(KATNAL2):c.172C>T (p.Arg58Ter)

Gene: KATNAL2 (katanin catalytic subunit A1 like 2; plus strand). Cytogenetic location: 18q21.1.
Variant type: single nucleotide variant.
Coding change: c.172C>T on transcript NM_001387690.1 (MANE Select); coding-DNA position 172, C replaced by T.
Protein change: p.Arg58Ter; replaces arginine 58 with a stop codon.
Molecular consequence: nonsense. On other transcripts: 5 prime UTR variant (2), non-coding transcript variant (1), intron variant (6).
Genome position (GRCh38, 1-based): chr18:47,052,929, C>T. VCF-style: chr18-47052929-C-T. GRCh37 (hg19) VCF-style: chr18-44579300-C-T.
Other names: c.250C>T, p.Arg84Ter (NM_001353899.1, NM_001353900.1, NM_001353902.1); c.172C>T, p.Arg58Ter (NM_001353901.1, NM_001367621.1); c.-174C>T (NM_001353905.1); c.-45C>T (NM_031303.3); c.-1-5306C>T (NM_001353904.1, NM_001353903.1, NM_001353907.1 and 3 more transcripts); short protein forms R58*, R84*.
Identifiers: ClinVar variation 2634344 (VCV002634344.1), dbSNP rs370223516, ClinGen allele CA8954859.
Genomic context (GRCh38, chr18:47,052,929, plus strand): 5'-GAAACTGCCAGGTATATCGATACAGCAAATGCTTTGGAGCAAGAAACTAAACTGGGGTTA[C>T]GACGGTTTGAAGTTTGTGACAACATTGATCTTGAAACTATTTTGATGGAATATGAGAGTT-3'